The following is an entry in ClinVar:

NM_182961.4(SYNE1):c.1058A>C (p.His353Pro)

Gene: SYNE1 (spectrin repeat containing nuclear envelope protein 1; minus strand). Cytogenetic location: 6q25.2.
Variant type: single nucleotide variant.
Coding change: c.1058A>C on transcript NM_182961.4 (MANE Select); coding-DNA position 1058, A replaced by C.
Protein change: p.His353Pro; replaces histidine 353 with proline.
Molecular consequence: missense variant.
Genome position (GRCh38, 1-based): chr6:152,484,962, T>G on the plus strand (A>C on the coding strand, the complement: SYNE1 is on the minus strand). VCF-style: chr6-152484962-T-G. GRCh37 (hg19) VCF-style: chr6-152806097-T-G.
Other names: c.1079A>C, p.His360Pro (NM_033071.5); short protein forms H353P, H360P.
Identifiers: ClinVar variation 2420730 (VCV002420730.5), dbSNP rs2505843950, ClinGen allele CA366142564.

ClinVar aggregate classification (germline): Uncertain significance (1 of 4 stars; one submission).

Conditions:
Autosomal recessive ataxia, Beauce type. Also called: Spinocerebellar ataxia, autosomal recessive 8; ATAXIA, RECESSIVE, OF BEAUCE; SYNE1-Related Autosomal Recessive Cerebellar Ataxia; SYNE1 Deficiency. Identifiers: Orphanet 88644, MedGen C1853116, MONDO:0012549, OMIM 610743.
Emery-Dreifuss muscular dystrophy 4, autosomal dominant (EDMD4). Also called: EMERY-DREIFUSS MUSCULAR DYSTROPHY 4 WITH VARIABLE FEATURES. Identifiers: Orphanet 261, MedGen C2751807, MONDO:0013071, OMIM 612998.

Submission:

Labcorp Genetics (formerly Invitae), Labcorp
Classification: Uncertain significance for Emery-Dreifuss muscular dystrophy 4, autosomal dominant; Autosomal recessive ataxia, Beauce type. Last evaluated: 2022-08-14. Review status: criteria provided, single submitter. Criteria: Invitae Variant Classification Sherloc (09022015). Collection method: clinical testing. Allele origin: germline.
Comment: This variant is not present in population databases (gnomAD no frequency). In summary, the available evidence is currently insufficient to determine the role of this variant in disease. Therefore, it has been classified as a Variant of Uncertain Significance. Algorithms developed to predict the effect of missense changes on protein structure and function are either unavailable or do not agree on the potential impact of this missense change (SIFT: "Deleterious"; PolyPhen-2: "Possibly Damaging"; Align-GVGD: "Class C0"). This variant has not been reported in the literature in individuals affected with SYNE1-related conditions. This sequence change replaces histidine, which is basic and polar, with proline, which is neutral and non-polar, at codon 360 of the SYNE1 protein (p.His360Pro).